The following is an entry in ClinVar:

NM_001134407.3(GRIN2A):c.1328+3G>C

Gene: GRIN2A (glutamate ionotropic receptor NMDA type subunit 2A; minus strand). Cytogenetic location: 16p13.2.
Variant type: single nucleotide variant.
Coding change: c.1328+3G>C on transcript NM_001134407.3 (MANE Select); 3 bases into the intron after coding-DNA position 1328, G replaced by C.
Molecular consequence: intron variant.
Genome position (GRCh38, 1-based): chr16:9,849,753, C>G on the plus strand (G>C on the coding strand, the complement: GRIN2A is on the minus strand). VCF-style: chr16-9849753-C-G. GRCh37 (hg19) VCF-style: chr16-9943610-C-G.
Other names: c.1328+3G>C (NM_001134408.2, NM_000833.5).
Identifiers: ClinVar variation 1040211 (VCV001040211.5), dbSNP rs2042847551, ClinGen allele CA2206737570.
Genomic context (GRCh38, chr16:9,849,753, plus strand): 5'-TCGATGATCCATGCTATTTCAAAGGGTTGGGCACGTTCAGGTGACAGCATTCCTGCCACT[C>G]ACTTGATTTTGACGAACTTCCGACATGGCACGGTGTTCCTCACACACGTCTCGGTCAGGG-3'

ClinVar aggregate classification (germline): Uncertain significance (1 of 4 stars; one submission).

Conditions:
Landau-Kleffner syndrome (FESD). Also called: APHASIA, ACQUIRED, WITH EPILEPSY; EPILEPSY, FOCAL, WITH SPEECH DISORDER AND WITH OR WITHOUT MENTAL RETARDATION. Identifiers: Orphanet 1945, Orphanet 725, Orphanet 98818, MedGen C0282512, MONDO:0009509, OMIM 245570.

Submission:

Labcorp Genetics (formerly Invitae), Labcorp
Classification: Uncertain significance for Landau-Kleffner syndrome. Last evaluated: 2020-07-09. Review status: criteria provided, single submitter. Criteria: Invitae Variant Classification Sherloc (09022015). Collection method: clinical testing. Allele origin: germline.
Comment: In summary, the available evidence is currently insufficient to determine the role of this variant in disease. Therefore, it has been classified as a Variant of Uncertain Significance. Nucleotide substitutions within the consensus splice site are a relatively common cause of aberrant splicing (PMID: 17576681, 9536098). Algorithms developed to predict the effect of sequence changes on RNA splicing suggest that this variant may disrupt the consensus splice site, but this prediction has not been confirmed by published transcriptional studies. This variant has not been reported in the literature in individuals with GRIN2A-related conditions. This variant is not present in population databases (ExAC no frequency). This sequence change falls in intron 6 of the GRIN2A gene. It does not directly change the encoded amino acid sequence of the GRIN2A protein, but it affects a nucleotide within the consensus splice site of the intron.

Literature cited by the submitters: PubMed 17576681; PubMed 9536098.